The following is an entry in ClinVar:

NM_005202.4(COL8A2):c.807G>A (p.Val269=)

Gene: COL8A2 (collagen type VIII alpha 2 chain; minus strand). Cytogenetic location: 1p34.3.
Variant type: single nucleotide variant.
Coding change: c.807G>A on transcript NM_005202.4 (MANE Select); coding-DNA position 807, G replaced by A.
Protein change: p.Val269=; no amino-acid change (valine 269 retained).
Molecular consequence: synonymous variant.
Genome position (GRCh38, 1-based): chr1:36,098,874, C>T on the plus strand (G>A on the coding strand, the complement: COL8A2 is on the minus strand). VCF-style: chr1-36098874-C-T. GRCh37 (hg19) VCF-style: chr1-36564475-C-T.
Other names: c.612G>A, p.Val204= (NM_001294347.2).
Identifiers: ClinVar variation 785936 (VCV000785936.13), dbSNP rs140730816, ClinGen allele CA765048.

ClinVar aggregate classification (germline): Benign/Likely benign. Review status: criteria provided, multiple submitters, no conflicts (2 of 4 stars). 3 submissions from 3 submitters: Benign (1); Likely benign (1). 1 of the submissions does not count toward it. Last evaluated 2025-12-26.

Conditions:
COL8A2-related disorder. Also called: COL8A2-related condition.

Allele frequency attached by ClinVar (database versions not stated): gnomAD exomes 0.00048 and 0.00106; ExAC 0.00119; 1000 Genomes Project 0.00300; 1000 Genomes Project 30x 0.00328; gnomAD 0.00382 and 0.00411; ESP Exome Variant Server 0.00393; TOPMed 0.00482.

Submissions (3):

Labcorp Genetics (formerly Invitae), Labcorp
Classification: Benign. Last evaluated: 2025-12-26. Review status: criteria provided, single submitter. Criteria: Invitae Variant Classification Sherloc (09022015). Collection method: clinical testing. Allele origin: germline.

GeneDx
Classification: Likely benign. Last evaluated: 2019-07-11. Review status: criteria provided, single submitter. Criteria: GeneDx Variant Classification Process June 2021. Collection method: clinical testing. Allele origin: germline. Affected: yes.

PreventionGenetics, part of Exact Sciences
Classification: Benign for COL8A2-related condition. Last evaluated: 2019-07-12. Review status: no assertion criteria provided. Collection method: clinical testing. Allele origin: germline. Not counted in ClinVar's aggregate classification.
Comment: This variant is classified as benign based on ACMG/AMP sequence variant interpretation guidelines (Richards et al. 2015 PMID: 25741868, with internal and published modifications).